The following is an entry in ClinVar:

NM_001270.4(CHD1):c.1636C>T (p.Gln546Ter)

Gene: CHD1 (chromodomain helicase DNA binding protein 1; minus strand). Cytogenetic location: 5q15.
Variant type: single nucleotide variant.
Coding change: c.1636C>T on transcript NM_001270.4 (MANE Select); coding-DNA position 1636, C replaced by T.
Protein change: p.Gln546Ter; replaces glutamine 546 with a stop codon.
Molecular consequence: nonsense. On other transcripts: non-coding transcript variant (2).
Genome position (GRCh38, 1-based): chr5:98,896,300, G>A on the plus strand (C>T on the coding strand, the complement: CHD1 is on the minus strand). VCF-style: chr5-98896300-G-A. GRCh37 (hg19) VCF-style: chr5-98232004-G-A.
Other names: c.1636C>T, p.Gln546Ter (NM_001364113.3, NM_001376194.2); short protein forms Q546*.
Identifiers: ClinVar variation 4993545 (VCV004993545.1).

ClinVar aggregate classification (germline): Uncertain significance (1 of 4 stars; one submission).

Conditions:
CHD1-related disorder. Also called: CHD1-related condition.

Submission:

PreventionGenetics, part of Exact Sciences
Classification: Uncertain significance for CHD1-related condition. Last evaluated: 2026-02-10. Review status: criteria provided, single submitter. Criteria: ACMG Guidelines, 2015. Collection method: clinical testing. Allele origin: germline.
Comment: The CHD1 c.1636C>T variant is predicted to result in premature protein termination (p.Gln546*). To our knowledge, this variant has not been reported in the literature or in a large population database (gnomAD), indicating this variant is rare. Loss of function is not an established mechanism of CHD1-related disease. At this time, the clinical significance of this variant is uncertain due to the absence of conclusive functional and genetic evidence.